The following is an entry in ClinVar:

NM_001197104.2(KMT2A):c.3110T>C (p.Ile1037Thr)

Gene: KMT2A (lysine methyltransferase 2A; plus strand). Cytogenetic location: 11q23.3.
Variant type: single nucleotide variant.
Coding change: c.3110T>C on transcript NM_001197104.2 (MANE Select); coding-DNA position 3110, T replaced by C.
Protein change: p.Ile1037Thr; replaces isoleucine 1037 with threonine.
Molecular consequence: missense variant.
Genome position (GRCh38, 1-based): chr11:118,474,269, T>C. VCF-style: chr11-118474269-T-C. GRCh37 (hg19) VCF-style: chr11-118344984-T-C.
Other names: c.3110T>C, p.Ile1037Thr (NM_005933.4); c.3110T>C (NM_001197104.1); short protein forms I1037T.
Identifiers: ClinVar variation 1355992 (VCV001355992.10), dbSNP rs2134273544, ClinGen allele CA382819997.

ClinVar aggregate classification (germline): Uncertain significance. Review status: criteria provided, multiple submitters, no conflicts (2 of 4 stars). 2 submissions from 2 submitters: Uncertain significance (2). Last evaluated 2022-08-03.

Allele frequency attached by ClinVar (database versions not stated): gnomAD exomes below 0.00001.
gnomAD v4.1: 1 of 1,614,044 alleles (0.000062%); highest among the groups gnomAD compares: Non-Finnish European, 0.000085%; no homozygotes.

Submissions (2):

GeneDx
Classification: Uncertain significance. Last evaluated: 2022-08-03. Review status: criteria provided, single submitter. Criteria: GeneDx Variant Classification Process June 2021. Collection method: clinical testing. Allele origin: germline. Affected: yes.
Comment: Not observed at significant frequency in large population cohorts (gnomAD); In silico analysis supports that this missense variant has a deleterious effect on protein structure/function; Has not been previously published as pathogenic or benign to our knowledge

Labcorp Genetics (formerly Invitae), Labcorp
Classification: Uncertain significance. Last evaluated: 2021-05-22. Review status: criteria provided, single submitter. Criteria: Invitae Variant Classification Sherloc (09022015). Collection method: clinical testing. Allele origin: germline.
Comment: In summary, the available evidence is currently insufficient to determine the role of this variant in disease. Therefore, it has been classified as a Variant of Uncertain Significance. Advanced modeling of protein sequence and biophysical properties (such as structural, functional, and spatial information, amino acid conservation, physicochemical variation, residue mobility, and thermodynamic stability) performed at Invitae indicates that this missense variant is expected to disrupt KMT2A protein function. This variant has not been reported in the literature in individuals with KMT2A-related conditions. This variant is not present in population databases (ExAC no frequency). This sequence change replaces isoleucine with threonine at codon 1037 of the KMT2A protein (p.Ile1037Thr). The isoleucine residue is moderately conserved and there is a moderate physicochemical difference between isoleucine and threonine.